The following is an entry in ClinVar:

NM_000360.4(TH):c.418G>A (p.Asp140Asn)

Gene: TH (tyrosine hydroxylase; minus strand). Cytogenetic location: 11p15.5.
Variant type: single nucleotide variant.
Coding change: c.418G>A on transcript NM_000360.4 (MANE Select); coding-DNA position 418, G replaced by A.
Protein change: p.Asp140Asn; replaces aspartic acid 140 with asparagine.
Molecular consequence: missense variant.
Genome position (GRCh38, 1-based): chr11:2,168,560, C>T on the plus strand (G>A on the coding strand, the complement: TH is on the minus strand). VCF-style: chr11-2168560-C-T. GRCh37 (hg19) VCF-style: chr11-2189790-C-T.
Other names: c.511G>A, p.Asp171Asn (NM_199292.3); c.499G>A, p.Asp167Asn (NM_199293.3); short protein forms D171N, D167N, D140N.
Identifiers: ClinVar variation 2183920 (VCV002183920.4), dbSNP rs994153566, ClinGen allele CA216287502.
Genomic context (GRCh38, chr11:2,168,560, plus strand): 5'-CCGCGGGGCTGCGCACGTCCTCTGACACCTGGCGCACACCACTGAGCAGGGCGGCCAGGT[C>T]CCCTCGGCGCACCTCGAGGCGCACGAAGTACTCCAGGTGGGGGCCCCCAGCTCGCGGCCT-3'
Protein context (NP_000351.2, residues 130-150): YFVRLEVRRG[Asp140Asn]LAALLSGVRQ

ClinVar aggregate classification (germline): Uncertain significance (1 of 4 stars; one submission).

Conditions:
TH-deficient dopa-responsive dystonia. Also called: Tyrosine Hydroxylase-Deficient Dopa-Responsive Dystonia; Segawa syndrome, autosomal recessive; DYT-TH. Identifiers: Orphanet 101150, MedGen C2673535, MONDO:0011551, OMIM 605407.

Submission:

Labcorp Genetics (formerly Invitae), Labcorp
Classification: Uncertain significance for TH-deficient dopa-responsive dystonia. Last evaluated: 2023-05-15. Review status: criteria provided, single submitter. Criteria: Invitae Variant Classification Sherloc (09022015). Collection method: clinical testing. Allele origin: germline.
Comment: This variant has not been reported in the literature in individuals affected with TH-related conditions. This variant is not present in population databases (gnomAD no frequency). This sequence change replaces aspartic acid, which is acidic and polar, with asparagine, which is neutral and polar, at codon 171 of the TH protein (p.Asp171Asn). ClinVar contains an entry for this variant (Variation ID: 2183920). In summary, the available evidence is currently insufficient to determine the role of this variant in disease. Therefore, it has been classified as a Variant of Uncertain Significance. Advanced modeling of protein sequence and biophysical properties (such as structural, functional, and spatial information, amino acid conservation, physicochemical variation, residue mobility, and thermodynamic stability) has been performed at Invitae for this missense variant, however the output from this modeling did not meet the statistical confidence thresholds required to predict the impact of this variant on TH protein function.